The following is an entry in ClinVar:

ClinVar aggregate classification (germline): Uncertain significance (1 of 4 stars; one submission).

Conditions:
Peroxisome biogenesis disorder 5A (Zellweger) (PBD5A). Identifiers: Orphanet 912, MedGen C3553940, MONDO:0013932, OMIM 614866.

Allele frequency attached by ClinVar (database versions not stated): TOPMed below 0.00001.
gnomAD v4.1: 2 of 1,614,178 alleles (0.00012%); highest among the groups gnomAD compares: Admixed American, 0.0017%; no homozygotes.

Submission:

Labcorp Genetics (formerly Invitae), Labcorp
Classification: Uncertain significance for Peroxisome biogenesis disorder 5A (Zellweger). Last evaluated: 2022-10-24. Review status: criteria provided, single submitter. Criteria: Invitae Variant Classification Sherloc (09022015). Collection method: clinical testing. Allele origin: germline.
Comment: This sequence change replaces serine, which is neutral and polar, with threonine, which is neutral and polar, at codon 90 of the PEX2 protein (p.Ser90Thr). This variant is not present in population databases (gnomAD no frequency). This variant has not been reported in the literature in individuals affected with PEX2-related conditions. Algorithms developed to predict the effect of missense changes on protein structure and function are either unavailable or do not agree on the potential impact of this missense change (SIFT: "Tolerated"; PolyPhen-2: "Possibly Damaging"; Align-GVGD: "Class C0"). In summary, the available evidence is currently insufficient to determine the role of this variant in disease. Therefore, it has been classified as a Variant of Uncertain Significance.

NM_000318.3(PEX2):c.268T>A (p.Ser90Thr)

Gene: PEX2 (peroxisomal biogenesis factor 2; minus strand). Cytogenetic location: 8q21.13.
Variant type: single nucleotide variant.
Coding change: c.268T>A on transcript NM_000318.3 (MANE Select); coding-DNA position 268, T replaced by A.
Protein change: p.Ser90Thr; replaces serine 90 with threonine.
Molecular consequence: missense variant.
Genome position (GRCh38, 1-based): chr8:76,983,911, A>T on the plus strand (T>A on the coding strand, the complement: PEX2 is on the minus strand). VCF-style: chr8-76983911-A-T. GRCh37 (hg19) VCF-style: chr8-77896147-A-T.
Other names: c.268T>A, p.Ser90Thr (NM_001079867.2, NM_001172086.2, NM_001172087.2); short protein forms S90T.
Identifiers: ClinVar variation 2151876 (VCV002151876.1), dbSNP rs1160490314, ClinGen allele CA371557721.